The following is an entry in ClinVar:

ClinVar aggregate classification (germline): Uncertain significance (1 of 4 stars; one submission).

Allele frequency attached by ClinVar (database versions not stated): TOPMed 0.00001.

Submission:

Labcorp Genetics (formerly Invitae), Labcorp
Classification: Uncertain significance. Last evaluated: 2025-12-15. Review status: criteria provided, single submitter. Criteria: Invitae Variant Classification Sherloc (09022015). Collection method: clinical testing. Allele origin: germline.
Comment: This sequence change replaces lysine, which is basic and polar, with threonine, which is neutral and polar, at codon 817 of the IMPG2 protein (p.Lys817Thr). This variant is not present in population databases (gnomAD no frequency). This variant has not been reported in the literature in individuals affected with IMPG2-related conditions. ClinVar contains an entry for this variant (Variation ID: 1010316). Invitae Evidence Modeling of protein sequence and biophysical properties (such as structural, functional, and spatial information, amino acid conservation, physicochemical variation, residue mobility, and thermodynamic stability) indicates that this missense variant is not expected to disrupt IMPG2 protein function with a negative predictive value of 80%. In summary, the available evidence is currently insufficient to determine the role of this variant in disease. Therefore, it has been classified as a Variant of Uncertain Significance.

NM_016247.4(IMPG2):c.2450A>C (p.Lys817Thr)

Gene: IMPG2 (interphotoreceptor matrix proteoglycan 2; minus strand). Cytogenetic location: 3q12.3.
Variant type: single nucleotide variant.
Coding change: c.2450A>C on transcript NM_016247.4 (MANE Select); coding-DNA position 2450, A replaced by C.
Protein change: p.Lys817Thr; replaces lysine 817 with threonine.
Molecular consequence: missense variant.
Genome position (GRCh38, 1-based): chr3:101,243,881, T>G on the plus strand (A>C on the coding strand, the complement: IMPG2 is on the minus strand). VCF-style: chr3-101243881-T-G. GRCh37 (hg19) VCF-style: chr3-100962725-T-G.
Other names: short protein forms K817T.
Identifiers: ClinVar variation 1010316 (VCV001010316.8), dbSNP rs1188721343, ClinGen allele CA353857142.
Genomic context (GRCh38, chr3:101,243,881, plus strand): 5'-TCCTGTACACCCATAATTACTTCATCCTCTAGCAGGGTGGAGATTGTGGTTGGAGGCAAT[T>G]TGGTAGACTGTGTCACAGATAACCAGAGCCTGTCAGCACTCTGTGGTGTACTTGCCAATA-3'
Protein context (NP_057331.2, residues 807-827): RLWLSVTQST[Lys817Thr]LPPTTISTLL